The following is an entry in ClinVar:

NM_000081.4(LYST):c.4984G>A (p.Ala1662Thr)

Gene: LYST (lysosomal trafficking regulator; minus strand). Cytogenetic location: 1q42.3.
Variant type: single nucleotide variant.
Coding change: c.4984G>A on transcript NM_000081.4 (MANE Select); coding-DNA position 4984, G replaced by A.
Protein change: p.Ala1662Thr; replaces alanine 1662 with threonine.
Molecular consequence: missense variant.
Genome position (GRCh38, 1-based): chr1:235,781,966, C>T on the plus strand (G>A on the coding strand, the complement: LYST is on the minus strand). VCF-style: chr1-235781966-C-T. GRCh37 (hg19) VCF-style: chr1-235945266-C-T.
Other names: c.4984G>A, p.Ala1662Thr (NM_001301365.1); short protein forms A1662T.
Identifiers: ClinVar variation 1407907 (VCV001407907.5), dbSNP rs2528042861, ClinGen allele CA344955927.
Genomic context (GRCh38, chr1:235,781,966, plus strand): 5'-GTGCAATCATAGCTCACTCACCGTTGAAGAGAAGCAAATTTCCCAGGTCCCATTTTCCAG[C>T]CAACTGCAAAAACTCTTCTTGGGATGATAAACAATGGCCAATCATGCAAAATGTTTTATT-3'
Protein context (NP_000072.2, residues 1652-1672): LSSQEEFLQL[Ala1662Thr]GKWDLGNLLL

ClinVar aggregate classification (germline): Uncertain significance (1 of 4 stars; one submission).

Conditions:
Chédiak-Higashi syndrome (CHS). Also called: Chediak-Higashi Syndrome. Identifiers: Orphanet 167, MedGen C0007965, MONDO:0008963, OMIM 214500.

Submission:

Labcorp Genetics (formerly Invitae), Labcorp
Classification: Uncertain significance for Chédiak-Higashi syndrome. Last evaluated: 2021-10-20. Review status: criteria provided, single submitter. Criteria: Invitae Variant Classification Sherloc (09022015). Collection method: clinical testing. Allele origin: germline.
Comment: Algorithms developed to predict the effect of missense changes on protein structure and function output the following: SIFT: "Tolerated"; PolyPhen-2: "Benign"; Align-GVGD: "Class C0". The threonine amino acid residue is found in multiple mammalian species, which suggests that this missense change does not adversely affect protein function. In summary, the available evidence is currently insufficient to determine the role of this variant in disease. Therefore, it has been classified as a Variant of Uncertain Significance. This variant has not been reported in the literature in individuals affected with LYST-related conditions. This variant is not present in population databases (gnomAD no frequency). This sequence change replaces alanine, a(n) neutral and non-polar amino acid, with threonine, a(n) neutral and polar amino acid, at codon 1662 of the LYST protein (p.Ala1662Thr).